The following is an entry in ClinVar:

NM_000059.4(BRCA2):c.7166G>A (p.Arg2389Lys)

Gene: BRCA2 (BRCA2 DNA repair associated; plus strand). Cytogenetic location: 13q13.1.
Variant type: single nucleotide variant.
Coding change: c.7166G>A on transcript NM_000059.4 (MANE Select); coding-DNA position 7166, G replaced by A.
Protein change: p.Arg2389Lys; replaces arginine 2389 with lysine.
Molecular consequence: missense variant.
Genome position (GRCh38, 1-based): chr13:32,355,019, G>A. VCF-style: chr13-32355019-G-A. GRCh37 (hg19) VCF-style: chr13-32929156-G-A.
Other names: short protein forms R2389K.
Identifiers: ClinVar variation 483027 (VCV000483027.23), dbSNP rs1302207132, ClinGen allele CA387739401.
Genomic context (GRCh38, chr13:32,355,019, plus strand): 5'-AAAAATCTTCAAGCAATTTAGCAGTTTCAGGACATCCATTTTATCAAGTTTCTGCTACAA[G>A]AAATGAAAAAATGAGACACTTGATTACTACAGGCAGACCAACCAAAGTCTTTGTTCCACC-3'
Protein context (NP_000050.3, residues 2379-2399): GHPFYQVSAT[Arg2389Lys]NEKMRHLITT

ClinVar aggregate classification (germline): Uncertain significance. Review status: criteria provided, multiple submitters, no conflicts (2 of 4 stars). 7 submissions from 7 submitters: Uncertain significance (7). Last evaluated 2025-06-12.

Conditions:
Hereditary breast ovarian cancer syndrome. Also called: Hereditary breast and ovarian cancer syndrome; Hereditary breast and ovarian cancer; Hereditary breast and ovarian cancer syndrome (HBOC); Breast and ovarian cancer; Hereditary breast and/or ovarian cancer syndrome; BRCA1- and BRCA2-Associated Hereditary Breast and Ovarian Cancer. Identifiers: Orphanet 145, MedGen C0677776, MeSH D061325, MONDO:0003582. Disease mechanism: loss of function.
Familial cancer of breast. Also called: BREAST CANCER, FAMILIAL; Hereditary breast cancer; hereditary breast carcinoma. Identifiers: Orphanet 227535, MedGen C0346153, MONDO:0016419, OMIM 114480. Disease mechanism: loss of function.
BRCA2-related cancer predisposition. Identifiers: MedGen CN377758, MONDO:0700269.
Hereditary cancer-predisposing syndrome. Also called: Neoplastic Syndromes, Hereditary; Tumor predisposition; Hereditary Cancer Syndrome; Hereditary neoplastic syndrome. Identifiers: Orphanet 140162, MedGen C0027672, MeSH D009386, MONDO:0015356.

Allele frequency attached by ClinVar (database versions not stated): gnomAD exomes below 0.00001; TOPMed 0.00001.

Submissions (7):

Labcorp Genetics (formerly Invitae), Labcorp
Classification: Uncertain significance for Hereditary breast ovarian cancer syndrome. Last evaluated: 2025-06-12. Review status: criteria provided, single submitter. Criteria: Invitae Variant Classification Sherloc (09022015). Collection method: clinical testing. Allele origin: germline.
Comment: This sequence change replaces arginine, which is basic and polar, with lysine, which is basic and polar, at codon 2389 of the BRCA2 protein (p.Arg2389Lys). This variant is present in population databases (no rsID available, gnomAD no frequency). This variant has not been reported in the literature in individuals affected with BRCA2-related conditions. ClinVar contains an entry for this variant (Variation ID: 483027). Invitae Evidence Modeling of protein sequence and biophysical properties (such as structural, functional, and spatial information, amino acid conservation, physicochemical variation, residue mobility, and thermodynamic stability) indicates that this missense variant is not expected to disrupt BRCA2 protein function with a negative predictive value of 95%. In summary, the available evidence is currently insufficient to determine the role of this variant in disease. Therefore, it has been classified as a Variant of Uncertain Significance.

Ambry Genetics
Classification: Uncertain significance for Hereditary cancer-predisposing syndrome. Last evaluated: 2025-04-19. Review status: criteria provided, single submitter. Criteria: Ambry Variant Classification Scheme 2023. Collection method: clinical testing. Allele origin: germline.
Comment: The p.R2389K variant (also known as c.7166G>A), located in coding exon 13 of the BRCA2 gene, results from a G to A substitution at nucleotide position 7166. The arginine at codon 2389 is replaced by lysine, an amino acid with highly similar properties. This variant was not reported in population based cohorts in the following databases: Database of Single Nucleotide Polymorphisms (dbSNP), NHLBI Exome Sequencing Project (ESP), and 1000 Genomes Project. In the ESP, this variant was not observed in 6503 samples (13006 alleles) with coverage at this position. To date, this alteration has been detected with an allele frequency of approximately 0.003% (greater than 300000 alleles tested) in our clinical cohort. This amino acid position is poorly conserved in available vertebrate species. In addition, this alteration is predicted to be tolerated by in silico analysis. Since supporting evidence is limited at this time, the clinical significance of this alteration remains unclear.

All of Us Research Program, National Institutes of Health
Classification: Uncertain significance for BRCA2-related cancer predisposition. Last evaluated: 2024-05-14. Review status: criteria provided, single submitter. Criteria: ACMG Guidelines, 2015. Collection method: clinical testing. Allele origin: germline. Inheritance: Autosomal dominant inheritance. Observed: 1 variant allele, 1 heterozygote.
Comment: This missense variant replaces arginine with lysine at codon 2389 of the BRCA2 protein. Computational prediction suggests that this variant may not impact protein structure and function. To our knowledge, functional studies have not been reported for this variant. This variant has not been reported in individuals affected with BRCA2-related disorders in the literature. This variant has been identified in 1/251148 chromosomes in the general population by the Genome Aggregation Database (gnomAD). The available evidence is insufficient to determine the role of this variant in disease conclusively. Therefore, this variant is classified as a Variant of Uncertain Significance.

This study involves interpretation of variants in research participants for the purpose of population health screening. Participant phenotype was not available at the time of variant classification. Additional details can be found in publication PMID: 35346344, PMCID: PMC8962531

Color Diagnostics, LLC DBA Color Health
Classification: Uncertain significance for Hereditary cancer-predisposing syndrome. Last evaluated: 2024-04-23. Review status: criteria provided, single submitter. Criteria: ACMG Guidelines, 2015. Collection method: clinical testing. Allele origin: germline.
Comment: This missense variant replaces arginine with lysine at codon 2389 of the BRCA2 protein. Computational prediction suggests that this variant may not impact protein structure and function. To our knowledge, functional studies have not been reported for this variant. This variant has not been reported in individuals affected with BRCA2-related disorders in the literature. This variant has been identified in 1/251148 chromosomes in the general population by the Genome Aggregation Database (gnomAD). The available evidence is insufficient to determine the role of this variant in disease conclusively. Therefore, this variant is classified as a Variant of Uncertain Significance.

Baylor Genetics
Classification: Uncertain significance for Familial cancer of breast. Last evaluated: 2023-10-15. Review status: criteria provided, single submitter. Criteria: ACMG Guidelines, 2015. Collection method: clinical testing. Allele origin: unknown.

Women's Health and Genetics/Laboratory Corporation of America, LabCorp
Classification: Uncertain significance. Last evaluated: 2021-01-29. Review status: criteria provided, single submitter. Criteria: LabCorp Variant Classification Summary - May 2015. Collection method: clinical testing. Allele origin: germline.
Comment: Variant summary: BRCA2 c.7166G>A (p.Arg2389Lys) results in a conservative amino acid change in the encoded protein sequence. Five of five in-silico tools predict a benign effect of the variant on protein function. The variant allele was found at a frequency of 4e-06 in 251148 control chromosomes. The available data on variant occurrences in the general population are insufficient to allow any conclusion about variant significance. To our knowledge, no occurrence of c.7166G>A in individuals affected with Hereditary Breast And Ovarian Cancer Syndrome and no experimental evidence demonstrating its impact on protein function have been reported. Three clinical diagnostic laboratories have submitted clinical-significance assessments for this variant to ClinVar after 2014 without evidence for independent evaluation. All laboratories classified the variant as uncertain significance. Based on the evidence outlined above, the variant was classified as uncertain significance.

Quest Diagnostics Nichols Institute San Juan Capistrano
Classification: Uncertain significance. Last evaluated: 2020-02-22. Review status: criteria provided, single submitter. Criteria: Quest Diagnostics criteria. Collection method: clinical testing. Allele origin: unknown.

Literature cited by the submitters: PubMed 29106415 (cited by Quest Diagnostics Nichols Institute San Juan Capistrano).